The following is an entry in ClinVar:

NM_000368.5(TSC1):c.1438+8A>G

Gene: TSC1 (TSC complex subunit 1; minus strand). Cytogenetic location: 9q34.13.
Variant type: single nucleotide variant.
Coding change: c.1438+8A>G on transcript NM_000368.5 (MANE Select); 8 bases into the intron after coding-DNA position 1438, A replaced by G.
Molecular consequence: intron variant.
Genome position (GRCh38, 1-based): chr9:132,906,723, T>C on the plus strand (A>G on the coding strand, the complement: TSC1 is on the minus strand). VCF-style: chr9-132906723-T-C. GRCh37 (hg19) VCF-style: chr9-135782110-T-C.
Other names: c.1075+8A>G (NM_001362177.2); c.1285+8A>G (NM_001162427.2); c.1435+8A>G (NM_001162426.2).
Identifiers: ClinVar variation 762724 (VCV000762724.12), dbSNP rs1588312550, ClinGen allele CA915947247.

ClinVar aggregate classification (germline): Likely benign. Review status: criteria provided, multiple submitters, no conflicts (2 of 4 stars). 3 submissions from 3 submitters: Likely benign (3). Last evaluated 2025-04-09.

Conditions:
Tuberous sclerosis 1 (TSC1). Identifiers: Orphanet 805, MedGen C1854465, MONDO:0008612, OMIM 191100.

Submissions (3):

Myriad Genetics, Inc.
Classification: Likely benign for Tuberous sclerosis 1. Last evaluated: 2025-04-09. Review status: criteria provided, single submitter. Criteria: Myriad Autosomal Dominant, Autosomal Recessive and X-Linked Classification Criteria (2023). Collection method: clinical testing. Allele origin: unknown.
Comment: This variant is considered likely benign. This variant is intronic and is not expected to impact mRNA splicing.

Blueprint Genetics
Classification: Likely benign. Last evaluated: 2023-11-27. Review status: criteria provided, single submitter. Criteria: ACMG Guidelines, 2015. Collection method: clinical testing. Allele origin: germline.

Labcorp Genetics (formerly Invitae), Labcorp
Classification: Likely benign for Tuberous sclerosis 1. Last evaluated: 2023-04-12. Review status: criteria provided, single submitter. Criteria: Invitae Variant Classification Sherloc (09022015). Collection method: clinical testing. Allele origin: germline.